The following is an entry in ClinVar:

ClinVar aggregate classification (germline): Uncertain significance. Review status: criteria provided, multiple submitters, no conflicts (2 of 4 stars). 3 submissions from 3 submitters: Uncertain significance (3). Last evaluated 2025-07-18.

Conditions:
Inborn genetic diseases. Identifiers: MedGen C0950123, MeSH D030342.

Allele frequency attached by ClinVar (database versions not stated): ExAC 0.00002; gnomAD 0.00003; TOPMed 0.00003; gnomAD exomes 0.00011; ESP Exome Variant Server 0.00015.
gnomAD v4.1: 168 of 1,614,032 alleles (0.01%); highest among the groups gnomAD compares: Non-Finnish European, 0.014%; no homozygotes.

Submissions (3):

Ambry Genetics
Classification: Uncertain significance for Inborn genetic diseases. Last evaluated: 2025-07-18. Review status: criteria provided, single submitter. Criteria: Ambry Variant Classification Scheme 2023. Collection method: clinical testing. Allele origin: germline.

Blueprint Genetics
Classification: Uncertain significance. Last evaluated: 2024-05-14. Review status: criteria provided, single submitter. Criteria: ACMG Guidelines, 2015. Collection method: clinical testing. Allele origin: germline.

Labcorp Genetics (formerly Invitae), Labcorp
Classification: Uncertain significance. Last evaluated: 2022-05-06. Review status: criteria provided, single submitter. Criteria: Invitae Variant Classification Sherloc (09022015). Collection method: clinical testing. Allele origin: germline.
Comment: This sequence change replaces threonine, which is neutral and polar, with isoleucine, which is neutral and non-polar, at codon 234 of the PDHX protein (p.Thr234Ile). This variant is present in population databases (rs142914598, gnomAD 0.006%). This variant has not been reported in the literature in individuals affected with PDHX-related conditions. Algorithms developed to predict the effect of missense changes on protein structure and function are either unavailable or do not agree on the potential impact of this missense change (SIFT: "Deleterious"; PolyPhen-2: "Benign"; Align-GVGD: "Class C15"). In summary, the available evidence is currently insufficient to determine the role of this variant in disease. Therefore, it has been classified as a Variant of Uncertain Significance.

NM_003477.3(PDHX):c.701C>T (p.Thr234Ile)

Gene: PDHX (pyruvate dehydrogenase complex component X; plus strand). Cytogenetic location: 11p13.
Variant type: single nucleotide variant.
Coding change: c.701C>T on transcript NM_003477.3 (MANE Select); coding-DNA position 701, C replaced by T.
Protein change: p.Thr234Ile; replaces threonine 234 with isoleucine.
Molecular consequence: missense variant. On other transcripts: intron variant (1).
Genome position (GRCh38, 1-based): chr11:34,966,699, C>T. VCF-style: chr11-34966699-C-T. GRCh37 (hg19) VCF-style: chr11-34988246-C-T.
Other names: c.521C>T, p.Thr174Ile (NM_001135024.2); c.343-17871C>T (NM_001166158.2); c.701C>T (NM_003477.2); short protein forms T174I, T234I.
Identifiers: ClinVar variation 2151883 (VCV002151883.4), dbSNP rs142914598, ClinGen allele CA5945964.
Genomic context (GRCh38, chr11:34,966,699, plus strand): 5'-GGGATGCTCTCAAACTTGTCCAGTTGAAACAAACGGGCAAGATTACCGAGTCCAGACCAA[C>T]TCCAGCCCCCACAGCCACTCCCACAGCACCTTCGCCCCTACAGGCCACAGCTGGACCATC-3'
Protein context (NP_003468.2, residues 224-244): QTGKITESRP[Thr234Ile]PAPTATPTAP